The following is an entry in ClinVar:

NM_004186.5(SEMA3F):c.742T>C (p.Tyr248His)

Gene: SEMA3F (semaphorin 3F; plus strand). Cytogenetic location: 3p21.31.
Variant type: single nucleotide variant.
Coding change: c.742T>C on transcript NM_004186.5 (MANE Select); coding-DNA position 742, T replaced by C.
Protein change: p.Tyr248His; replaces tyrosine 248 with histidine.
Molecular consequence: missense variant.
Genome position (GRCh38, 1-based): chr3:50,182,382, T>C. VCF-style: chr3-50182382-T-C. GRCh37 (hg19) VCF-style: chr3-50219815-T-C.
Other names: c.445T>C, p.Tyr149His (NM_001318798.2); c.649T>C, p.Tyr217His (NM_001318800.2); c.742T>C (NM_004186.3); short protein forms Y149H, Y217H, Y248H.
Identifiers: ClinVar variation 2629231 (VCV002629231.3), dbSNP rs754496254, ClinGen allele CA2411887.

ClinVar aggregate classification (germline): Uncertain significance. Review status: criteria provided, multiple submitters, no conflicts (2 of 4 stars). 2 submissions from 2 submitters: Uncertain significance (2). Last evaluated 2025-06-05.

Conditions:
SEMA3F-related disorder. Also called: SEMA3F-related condition.

Allele frequency attached by ClinVar (database versions not stated): ExAC 0.00001; gnomAD 0.00001; gnomAD exomes 0.00002; TOPMed 0.00002.
gnomAD v4.1: 34 of 1,613,822 alleles (0.0021%); highest among the groups gnomAD compares: Admixed American, 0.013%; no homozygotes.

Submissions (2):

PreventionGenetics, part of Exact Sciences
Classification: Uncertain significance for SEMA3F-related condition. Last evaluated: 2025-06-05. Review status: criteria provided, single submitter. Criteria: ACMG Guidelines, 2015. Collection method: clinical testing. Allele origin: germline.
Comment: The SEMA3F c.742T>C variant is predicted to result in the amino acid substitution p.Tyr248His. To our knowledge, this variant has not been reported in the literature. This variant is reported in 0.017% of alleles in individuals of Latino descent in gnomAD. At this time, the clinical significance of this variant is uncertain due to the absence of conclusive functional and genetic evidence.

Ambry Genetics
Classification: Uncertain significance. Last evaluated: 2023-12-18. Review status: criteria provided, single submitter. Criteria: Ambry Variant Classification Scheme 2023. Collection method: clinical testing. Allele origin: germline.